The following is an entry in ClinVar:

NM_003722.5(TP63):c.1910G>T (p.Arg637Leu)

Gene: TP63 (tumor protein p63; plus strand). Cytogenetic location: 3q28.
Variant type: single nucleotide variant.
Coding change: c.1910G>T on transcript NM_003722.5 (MANE Select); coding-DNA position 1910, G replaced by T.
Protein change: p.Arg637Leu; replaces arginine 637 with leucine.
Molecular consequence: missense variant. On other transcripts: 3 prime UTR variant (6).
Genome position (GRCh38, 1-based): chr3:189,894,369, G>T. VCF-style: chr3-189894369-G-T. GRCh37 (hg19) VCF-style: chr3-189612158-G-T.
Other names: c.*148G>T (NM_001114978.2, NM_001114981.2); c.1628G>T, p.Arg543Leu (NM_001114980.2); c.*138G>T (NM_001329144.2, NM_001329145.2, NM_001329149.2 and 1 more transcripts); c.1373G>T, p.Arg458Leu (NM_001329146.2); c.1898G>T, p.Arg633Leu (NM_001329148.2); c.1904G>T, p.Arg635Leu (NM_001329964.2); short protein forms R637L, R633L, R635L, R543L, R458L.
Identifiers: ClinVar variation 580819 (VCV000580819.4), dbSNP rs770997588, ClinGen allele CA355751457.

ClinVar aggregate classification (germline): Uncertain significance (1 of 4 stars; one submission).

Conditions:
TP63-Related Spectrum Disorders.

Submission:

Labcorp Genetics (formerly Invitae), Labcorp
Classification: Uncertain significance. Last evaluated: 2022-03-12. Review status: criteria provided, single submitter. Criteria: Invitae Variant Classification Sherloc (09022015). Collection method: clinical testing. Allele origin: germline.
Comment: This sequence change replaces arginine, which is basic and polar, with leucine, which is neutral and non-polar, at codon 637 of the TP63 protein (p.Arg637Leu). This variant is not present in population databases (gnomAD no frequency). This missense change has been observed in individual(s) with ectodermal dysplasia (PMID: 19676060; Invitae). This variant is also known as c.1793G>T (p.Arg598Leu). ClinVar contains an entry for this variant (Variation ID: 580819). Algorithms developed to predict the effect of missense changes on protein structure and function are either unavailable or do not agree on the potential impact of this missense change (SIFT: "Tolerated"; PolyPhen-2: "Probably Damaging"; Align-GVGD: "Class C0"). In summary, the available evidence is currently insufficient to determine the role of this variant in disease. Therefore, it has been classified as a Variant of Uncertain Significance.

Literature cited by the submitters: PubMed 19676060.